The following is an entry in ClinVar:

ClinVar aggregate classification (germline): Uncertain significance. Review status: criteria provided, multiple submitters, no conflicts (2 of 4 stars). 2 submissions from 2 submitters: Uncertain significance (2). Last evaluated 2025-04-06.

Conditions:
Ataxia-telangiectasia syndrome (AT). Also called: Ataxia telangiectasia (A-T); ATAXIA-TELANGIECTASIA, COMPLEMENTATION GROUP A; ATAXIA-TELANGIECTASIA, FRESNO VARIANT; Ataxia-telangiectasia; Ataxia-telangiectasia, complementation group E; LOUIS-BAR SYNDROME. Identifiers: Orphanet 100, MedGen C0004135, MONDO:0008840, OMIM 208900.
Hereditary cancer-predisposing syndrome. Also called: Neoplastic Syndromes, Hereditary; Tumor predisposition; Hereditary Cancer Syndrome; Hereditary neoplastic syndrome. Identifiers: Orphanet 140162, MedGen C0027672, MeSH D009386, MONDO:0015356.

Submissions (2):

Ambry Genetics
Classification: Uncertain significance for Hereditary cancer-predisposing syndrome. Last evaluated: 2025-04-06. Review status: criteria provided, single submitter. Criteria: Ambry Variant Classification Scheme 2023. Collection method: clinical testing. Allele origin: germline.
Comment: The p.H2430D variant (also known as c.7288C>G), located in coding exon 48 of the ATM gene, results from a C to G substitution at nucleotide position 7288. The histidine at codon 2430 is replaced by aspartic acid, an amino acid with similar properties. This amino acid position is conserved. In addition, the in silico prediction for this alteration is inconclusive. Based on the available evidence, the clinical significance of this variant remains unclear.

Labcorp Genetics (formerly Invitae), Labcorp
Classification: Uncertain significance for Ataxia-telangiectasia syndrome. Last evaluated: 2024-10-17. Review status: criteria provided, single submitter. Criteria: Invitae Variant Classification Sherloc (09022015). Collection method: clinical testing. Allele origin: germline.
Comment: This sequence change replaces histidine, which is basic and polar, with aspartic acid, which is acidic and polar, at codon 2430 of the ATM protein (p.His2430Asp). This variant is not present in population databases (gnomAD no frequency). This variant has not been reported in the literature in individuals affected with ATM-related conditions. ClinVar contains an entry for this variant (Variation ID: 1055927). Invitae Evidence Modeling of protein sequence and biophysical properties (such as structural, functional, and spatial information, amino acid conservation, physicochemical variation, residue mobility, and thermodynamic stability) indicates that this missense variant is not expected to disrupt ATM protein function with a negative predictive value of 95%. In summary, the available evidence is currently insufficient to determine the role of this variant in disease. Therefore, it has been classified as a Variant of Uncertain Significance.

NM_000051.4(ATM):c.7288C>G (p.His2430Asp)

Genes: ATM (ATM serine/threonine kinase; plus strand), C11orf65 (chromosome 11 open reading frame 65; minus strand). Cytogenetic location: 11q22.3.
Variant type: single nucleotide variant.
Coding change: c.7288C>G on transcript NM_000051.4 (MANE Select); coding-DNA position 7288, C replaced by G.
Protein change: p.His2430Asp; replaces histidine 2430 with aspartic acid.
Molecular consequence: missense variant. On other transcripts: intron variant (2).
Genome position (GRCh38, 1-based): chr11:108,329,219, C>G. VCF-style: chr11-108329219-C-G. GRCh37 (hg19) VCF-style: chr11-108199946-C-G.
Other names: c.7288C>G, p.His2430Asp (NM_001351834.2); c.641-20148G>C (NM_001330368.2); c.*38+6001G>C (NM_001351110.2); short protein forms H2430D.
Identifiers: ClinVar variation 1055927 (VCV001055927.10), dbSNP rs2086000435, ClinGen allele CA382559803.
Genomic context (GRCh38, chr11:108,329,219, plus strand): 5'-TTTGAAAACAAGCAAGCTCTCCTGAAAAGAGCCAAAGAGGAAGTAGGTCTCCTTAGGGAA[C>G]ATAAAATTCAGACAAACAGGTAACTAGGTTTCTACAAGTGACAATTTTATGTTCACCAGT-3'
Protein context (NP_000042.3, residues 2420-2440): AKEEVGLLRE[His2430Asp]KIQTNRYTVK